The following is an entry in ClinVar:

ClinVar aggregate classification (germline): Pathogenic (1 of 4 stars; one submission).

Conditions:
Joubert syndrome and related disorders. Identifiers: Orphanet 140874, MedGen C5679612, MONDO:0015369.

Submission:

Women's Health and Genetics/Laboratory Corporation of America, LabCorp
Classification: Pathogenic for Joubert syndrome and related disorders. Last evaluated: 2023-12-13. Review status: criteria provided, single submitter. Criteria: LabCorp Variant Classification Summary - May 2015. Collection method: clinical testing. Allele origin: germline.
Comment: Variant summary: CPLANE1 c.1809_1811delinsCCAT (p.Tyr607LeufsX12) results in a premature termination codon, predicted to cause a truncation of the encoded protein or absence of the protein due to nonsense mediated decay, which are commonly known mechanisms for disease. The variant was absent in 1539920 control chromosomes. To our knowledge, no occurrence of c.1809_1811delinsCCAT in individuals affected with Joubert Syndrome And Related Disorders and no experimental evidence demonstrating its impact on protein function have been reported. No submitters have cited clinical-significance assessments for this variant to ClinVar after 2014. Based on the evidence outlined above, the variant was classified as pathogenic.

NM_001384732.1(CPLANE1):c.1809_1811delinsCCAT (p.Tyr607fs)

Gene: CPLANE1 (ciliogenesis and planar polarity effector complex subunit 1; minus strand). Cytogenetic location: 5p13.2.
Variant type: Indel.
Coding change: c.1809_1811delinsCCAT on transcript NM_001384732.1 (MANE Select); coding-DNA positions 1809 to 1811, TCA replaced by CCAT.
Protein change: p.Tyr607fs; shifts the reading frame from tyrosine 607.
Molecular consequence: frameshift variant.
Genome position (GRCh38, 1-based): chr5:37,226,784-37,226,786, TGA replaced by ATGG on the plus strand (TCA replaced by CCAT on the coding strand, the reverse complement: CPLANE1 is on the minus strand). VCF-style: chr5-37226784-TGA-ATGG. GRCh37 (hg19) VCF-style: chr5-37226886-TGA-ATGG.
Other names: c.1809_1811delinsCCAT, p.Tyr607fs (NM_023073.4); short protein forms Y607fs.
Identifiers: ClinVar variation 2691679 (VCV002691679.1), dbSNP rs2548585932, ClinGen allele CA2697547131.